The following is an entry in ClinVar:

NM_015978.3(TNNI3K):c.1397A>T (p.His466Leu)

Genes: FPGT-TNNI3K (FPGT-TNNI3K readthrough; plus strand), TNNI3K (TNNI3 interacting kinase; plus strand). Cytogenetic location: 1p31.1.
Variant type: single nucleotide variant.
Coding change: c.1397A>T on transcript NM_015978.3 (MANE Select); coding-DNA position 1397, A replaced by T.
Protein change: p.His466Leu; replaces histidine 466 with leucine.
Molecular consequence: missense variant.
Genome position (GRCh38, 1-based): chr1:74,369,097, A>T. VCF-style: chr1-74369097-A-T. GRCh37 (hg19) VCF-style: chr1-74834781-A-T.
Other names: c.1700A>T, p.His567Leu (NM_001112808.3, NM_001199327.2); short protein forms H466L, H567L.
Identifiers: ClinVar variation 3657622 (VCV003657622.2).

ClinVar aggregate classification (germline): Uncertain significance (1 of 4 stars; one submission).

gnomAD v4.1: 1 of 1,610,424 alleles (0.000062%); highest among the groups gnomAD compares: South Asian, 0.0011%; no homozygotes.

Submission:

Labcorp Genetics (formerly Invitae), Labcorp
Classification: Uncertain significance. Last evaluated: 2024-06-24. Review status: criteria provided, single submitter. Criteria: Invitae Variant Classification Sherloc (09022015). Collection method: clinical testing. Allele origin: germline.
Comment: This sequence change replaces histidine, which is basic and polar, with leucine, which is neutral and non-polar, at codon 466 of the TNNI3K protein (p.His466Leu). This variant is not present in population databases (gnomAD no frequency). This variant has not been reported in the literature in individuals affected with TNNI3K-related conditions. Advanced modeling of protein sequence and biophysical properties (such as structural, functional, and spatial information, amino acid conservation, physicochemical variation, residue mobility, and thermodynamic stability) performed at Invitae indicates that this missense variant is not expected to disrupt TNNI3K protein function with a negative predictive value of 80%. In summary, the available evidence is currently insufficient to determine the role of this variant in disease. Therefore, it has been classified as a Variant of Uncertain Significance.